The following is an entry in ClinVar:

ClinVar aggregate classification (germline): Uncertain significance. Review status: criteria provided, multiple submitters, no conflicts (2 of 4 stars). 2 submissions from 2 submitters: Uncertain significance (2). Last evaluated 2024-06-30.

Conditions:
Gastrointestinal stromal tumor. Also called: Gastrointestinal stroma tumor; Gastrointestinal stromal tumor, somatic. Identifiers: Orphanet 44890, MedGen C0238198, MeSH D046152, MONDO:0011719, OMIM 606764, HP:0100723.
Hereditary cancer-predisposing syndrome. Also called: Hereditary neoplastic syndrome; Tumor predisposition; Hereditary Cancer Syndrome; Neoplastic Syndromes, Hereditary. Identifiers: Orphanet 140162, MedGen C0027672, MeSH D009386, MONDO:0015356.

Submissions (2):

Labcorp Genetics (formerly Invitae), Labcorp
Classification: Uncertain significance for Gastrointestinal stromal tumor. Last evaluated: 2024-06-30. Review status: criteria provided, single submitter. Criteria: Invitae Variant Classification Sherloc (09022015). Collection method: clinical testing. Allele origin: germline.
Comment: This sequence change replaces threonine, which is neutral and polar, with isoleucine, which is neutral and non-polar, at codon 649 of the PDGFRA protein (p.Thr649Ile). This variant is not present in population databases (gnomAD no frequency). This variant has not been reported in the literature in individuals affected with PDGFRA-related conditions. ClinVar contains an entry for this variant (Variation ID: 1442997). Advanced modeling of protein sequence and biophysical properties (such as structural, functional, and spatial information, amino acid conservation, physicochemical variation, residue mobility, and thermodynamic stability) performed at Invitae indicates that this missense variant is not expected to disrupt PDGFRA protein function with a negative predictive value of 80%. In summary, the available evidence is currently insufficient to determine the role of this variant in disease. Therefore, it has been classified as a Variant of Uncertain Significance.

Ambry Genetics
Classification: Uncertain significance for Hereditary cancer-predisposing syndrome. Last evaluated: 2024-02-27. Review status: criteria provided, single submitter. Criteria: Ambry Variant Classification Scheme 2023. Collection method: clinical testing. Allele origin: germline.
Comment: The p.T649I variant (also known as c.1946C>T), located in coding exon 13 of the PDGFRA gene, results from a C to T substitution at nucleotide position 1946. The threonine at codon 649 is replaced by isoleucine, an amino acid with similar properties. This amino acid position is conserved. In addition, this alteration is predicted to be deleterious by in silico analysis. Based on the available evidence, the clinical significance of this alteration remains unclear.

NM_006206.6(PDGFRA):c.1946C>T (p.Thr649Ile)

Gene: PDGFRA (platelet derived growth factor receptor alpha; plus strand). Cytogenetic location: 4q12.
Variant type: single nucleotide variant.
Coding change: c.1946C>T on transcript NM_006206.6 (MANE Select); coding-DNA position 1946, C replaced by T.
Protein change: p.Thr649Ile; replaces threonine 649 with isoleucine.
Molecular consequence: missense variant.
Genome position (GRCh38, 1-based): chr4:54,277,950, C>T. VCF-style: chr4-54277950-C-T. GRCh37 (hg19) VCF-style: chr4-55144117-C-T.
Other names: c.1946C>T, p.Thr649Ile (NM_001347827.2, NM_001347829.2); c.2021C>T, p.Thr674Ile (NM_001347828.2); c.1985C>T, p.Thr662Ile (NM_001347830.2); c.1946C>T (NM_006206.4); short protein forms T649I, T662I, T674I.
Identifiers: ClinVar variation 1442997 (VCV001442997.9), dbSNP rs2110311482, ClinGen allele CA356893688.